The following is an entry in ClinVar:

ClinVar aggregate classification (germline): Uncertain significance. Review status: criteria provided, multiple submitters, no conflicts (2 of 4 stars). 6 submissions from 6 submitters: Uncertain significance (6). Last evaluated 2025-11-20.

Conditions:
Hereditary cancer-predisposing syndrome. Also called: Tumor predisposition; Hereditary neoplastic syndrome; Neoplastic Syndromes, Hereditary; Hereditary Cancer Syndrome. Identifiers: Orphanet 140162, MedGen C0027672, MeSH D009386, MONDO:0015356.
Classic or attenuated familial adenomatous polyposis. Identifiers: MedGen CN372698, MONDO:0021057.
Familial adenomatous polyposis 1 (FAP1). Also called: POLYPOSIS, ADENOMATOUS INTESTINAL; FAMILIAL ADENOMATOUS POLYPOSIS 1, ATTENUATED. Identifiers: MedGen C2713442, MONDO:0021056, OMIM 175100. Disease mechanism: loss of function.

Allele frequency attached by ClinVar (database versions not stated): gnomAD exomes below 0.00001.
gnomAD v4.1: 5 of 1,614,076 alleles (0.00031%); highest among the groups gnomAD compares: South Asian, 0.0011%; no homozygotes.

Submissions (6):

Ambry Genetics
Classification: Uncertain significance for Hereditary cancer-predisposing syndrome. Last evaluated: 2025-11-20. Review status: criteria provided, single submitter. Criteria: Ambry Variant Classification Scheme 2023. Collection method: clinical testing. Allele origin: germline.
Comment: The p.Y1162N variant (also known as c.3484T>A), located in coding exon 15 of the APC gene, results from a T to A substitution at nucleotide position 3484. The tyrosine at codon 1162 is replaced by asparagine, an amino acid with dissimilar properties. This amino acid position is highly conserved in available vertebrate species. In addition, in silico predictors for this gene do not accurately predict pathogenicity. Since supporting evidence is limited at this time, the clinical significance of this alteration remains unclear.

CeGaT Center for Human Genetics Tuebingen
Classification: Uncertain significance. Last evaluated: 2025-09-01. Review status: criteria provided, single submitter. Criteria: CeGaT Center For Human Genetics Tuebingen Variant Classification Criteria Version 2. Collection method: clinical testing. Allele origin: germline. Affected: yes. Observed: 1 variant allele.

Labcorp Genetics (formerly Invitae), Labcorp
Classification: Uncertain significance for Familial adenomatous polyposis 1. Last evaluated: 2024-07-03. Review status: criteria provided, single submitter. Criteria: Invitae Variant Classification Sherloc (09022015). Collection method: clinical testing. Allele origin: germline.
Comment: This sequence change replaces tyrosine, which is neutral and polar, with asparagine, which is neutral and polar, at codon 1162 of the APC protein (p.Tyr1162Asn). This variant is present in population databases (no rsID available, gnomAD 0.003%). This variant has not been reported in the literature in individuals affected with APC-related conditions. ClinVar contains an entry for this variant (Variation ID: 823827). Advanced modeling of protein sequence and biophysical properties (such as structural, functional, and spatial information, amino acid conservation, physicochemical variation, residue mobility, and thermodynamic stability) performed at Invitae indicates that this missense variant is not expected to disrupt APC protein function with a negative predictive value of 95%. In summary, the available evidence is currently insufficient to determine the role of this variant in disease. Therefore, it has been classified as a Variant of Uncertain Significance.

All of Us Research Program, National Institutes of Health
Classification: Uncertain significance for Classic or attenuated familial adenomatous polyposis. Last evaluated: 2024-01-11. Review status: criteria provided, single submitter. Criteria: ACMG Guidelines, 2015. Collection method: clinical testing. Allele origin: germline. Inheritance: Autosomal dominant inheritance. Observed: 1 variant allele, 1 heterozygote.
Comment: This missense variant replaces tyrosine with asparagine at codon 1162 of the APC protein. Computational prediction suggests that this variant may have deleterious impact on protein structure and function (internally defined REVEL score threshold >= 0.7, PMID: 27666373). To our knowledge, functional studies have not been reported for this variant. This variant has been reported in an individual affected with a pediatric cancer (PMID: 34771502). This variant has been identified in 1/250710 chromosomes in the general population by the Genome Aggregation Database (gnomAD). The available evidence is insufficient to determine the role of this variant in disease conclusively. Therefore, this variant is classified as a Variant of Uncertain Significance.

This study involves interpretation of variants in research participants for the purpose of population health screening. Participant phenotype was not available at the time of variant classification. Additional details can be found in publication PMID: 35346344, PMCID: PMC8962531

Color Diagnostics, LLC DBA Color Health
Classification: Uncertain significance for Hereditary cancer-predisposing syndrome. Last evaluated: 2021-11-16. Review status: criteria provided, single submitter. Criteria: ACMG Guidelines, 2015. Collection method: clinical testing. Allele origin: germline.
Comment: This missense variant replaces tyrosine with asparagine at codon 1162 of the APC protein. Computational prediction suggests that this variant may have deleterious impact on protein structure and function (internally defined REVEL score threshold >= 0.7, PMID: 27666373). To our knowledge, functional studies have not been reported for this variant. This variant has been reported in an individual affected with a pediatric cancer (PMID: 34771502). This variant has been identified in 1/250710 chromosomes in the general population by the Genome Aggregation Database (gnomAD). The available evidence is insufficient to determine the role of this variant in disease conclusively. Therefore, this variant is classified as a Variant of Uncertain Significance.

Department of Pathology and Laboratory Medicine, Sinai Health System
Classification: Uncertain significance for classic or attenuated familial adenomatous polyposis. Last evaluated: 2021-04-14. Review status: criteria provided, single submitter. Criteria: ACMG Guidelines, 2015. Collection method: clinical testing. Allele origin: germline. Affected: no.

Literature cited by the submitters: PubMed 34771502 (cited by All of Us Research Program, National Institutes of Health and Color Diagnostics, LLC DBA Color Health).

NM_000038.6(APC):c.3484T>A (p.Tyr1162Asn)

Gene: APC (APC regulator of Wnt signaling pathway; plus strand). Cytogenetic location: 5q22.2.
Variant type: single nucleotide variant.
Coding change: c.3484T>A on transcript NM_000038.6 (MANE Select); coding-DNA position 3484, T replaced by A.
Protein change: p.Tyr1162Asn; replaces tyrosine 1162 with asparagine.
Molecular consequence: missense variant.
Genome position (GRCh38, 1-based): chr5:112,839,078, T>A. VCF-style: chr5-112839078-T-A. GRCh37 (hg19) VCF-style: chr5-112174775-T-A.
Other names: c.3484T>A, p.Tyr1162Asn (NM_001127510.3, NM_001354895.2); c.3430T>A, p.Tyr1144Asn (NM_001127511.3); c.3538T>A, p.Tyr1180Asn (NM_001354896.2); c.3514T>A, p.Tyr1172Asn (NM_001354897.2); c.3409T>A, p.Tyr1137Asn (NM_001354898.2); c.3400T>A, p.Tyr1134Asn (NM_001354899.2); c.3361T>A, p.Tyr1121Asn (NM_001354900.2); c.3307T>A, p.Tyr1103Asn (NM_001354901.2); and 5 more; short protein forms Y1002N, Y1061N, Y1134N, Y1144N, Y1162N, Y1071N, Y1137N, Y879N.
Identifiers: ClinVar variation 823827 (VCV000823827.25), dbSNP rs1210397302, ClinGen allele CA16028976.